The following is an entry in ClinVar:

NM_000264.5(PTCH1):c.1060C>T (p.Leu354Phe)

Gene: PTCH1 (patched 1; minus strand). Cytogenetic location: 9q22.32.
Variant type: single nucleotide variant.
Coding change: c.1060C>T on transcript NM_000264.5 (MANE Select); coding-DNA position 1060, C replaced by T.
Protein change: p.Leu354Phe; replaces leucine 354 with phenylalanine.
Molecular consequence: missense variant. On other transcripts: non-coding transcript variant (1).
Genome position (GRCh38, 1-based): chr9:95,479,976, G>A on the plus strand (C>T on the coding strand, the complement: PTCH1 is on the minus strand). VCF-style: chr9-95479976-G-A. GRCh37 (hg19) VCF-style: chr9-98242258-G-A.
Other names: c.862C>T, p.Leu288Phe (NM_001083602.3); c.1057C>T, p.Leu353Phe (NM_001083603.3); c.607C>T, p.Leu203Phe (NM_001083604.3, NM_001083605.3, NM_001083606.3 and 1 more transcripts); c.1060C>T, p.Leu354Phe (NM_001354918.2); short protein forms L288F, L353F, L203F, L354F.
Identifiers: ClinVar variation 1385407 (VCV001385407.8), dbSNP rs1588608286, ClinGen allele CA374119569.

ClinVar aggregate classification (germline): Uncertain significance (1 of 4 stars; one submission).

Conditions:
Gorlin syndrome. Also called: Basal cell nevus syndrome; Nevoid Basal Cell Carcinoma Syndrome. Identifiers: Orphanet 377, MedGen C0004779, MONDO:0007187.

Submission:

Labcorp Genetics (formerly Invitae), Labcorp
Classification: Uncertain significance for Gorlin syndrome. Last evaluated: 2021-07-27. Review status: criteria provided, single submitter. Criteria: Invitae Variant Classification Sherloc (09022015). Collection method: clinical testing. Allele origin: germline.
Comment: This sequence change replaces leucine with phenylalanine at codon 354 of the PTCH1 protein (p.Leu354Phe). The leucine residue is highly conserved and there is a small physicochemical difference between leucine and phenylalanine. This variant is not present in population databases (ExAC no frequency). This variant has not been reported in the literature in individuals affected with PTCH1-related conditions. In summary, the available evidence is currently insufficient to determine the role of this variant in disease. Therefore, it has been classified as a Variant of Uncertain Significance. Advanced modeling of protein sequence and biophysical properties (such as structural, functional, and spatial information, amino acid conservation, physicochemical variation, residue mobility, and thermodynamic stability) performed at Invitae indicates that this missense variant is not expected to disrupt PTCH1 protein function.